The following is an entry in ClinVar:

NM_004656.4(BAP1):c.293G>C (p.Ser98Thr)

Gene: BAP1 (BRCA1 associated protein 1; minus strand). Cytogenetic location: 3p21.1.
Variant type: single nucleotide variant.
Coding change: c.293G>C on transcript NM_004656.4 (MANE Select); coding-DNA position 293, G replaced by C.
Protein change: p.Ser98Thr; replaces serine 98 with threonine.
Molecular consequence: missense variant.
Genome position (GRCh38, 1-based): chr3:52,408,040, C>G on the plus strand (G>C on the coding strand, the complement: BAP1 is on the minus strand). VCF-style: chr3-52408040-C-G. GRCh37 (hg19) VCF-style: chr3-52442056-C-G.
Other names: short protein forms S98T.
Identifiers: ClinVar variation 1321147 (VCV001321147.2), dbSNP rs2153228126, ClinGen allele CA353112449.

ClinVar aggregate classification (germline): Uncertain significance (1 of 4 stars; one submission).

Submission:

GeneDx
Classification: Uncertain significance. Last evaluated: 2020-01-15. Review status: criteria provided, single submitter. Criteria: GeneDx Variant Classification Process June 2021. Collection method: clinical testing. Allele origin: germline. Affected: yes.
Comment: Not observed in large population cohorts (Lek et al., 2016); In silico analysis, which includes protein predictors and evolutionary conservation, supports a deleterious effect; Has not been previously published as pathogenic or benign to our knowledge